The following is an entry in ClinVar:

NM_004484.4(GPC3):c.715G>A (p.Val239Met)

Gene: GPC3 (glypican 3; minus strand). Cytogenetic location: Xq26.2.
Variant type: single nucleotide variant.
Coding change: c.715G>A on transcript NM_004484.4 (MANE Select); coding-DNA position 715, G replaced by A.
Protein change: p.Val239Met; replaces valine 239 with methionine.
Molecular consequence: missense variant.
Genome position (GRCh38, 1-based): chrX:133,753,799, C>T on the plus strand (G>A on the coding strand, the complement: GPC3 is on the minus strand). VCF-style: chrX-133753799-C-T. GRCh37 (hg19) VCF-style: chrX-132887826-C-T.
Other names: c.715G>A, p.Val239Met (NM_001164617.2); c.667G>A, p.Val223Met (NM_001164618.2); c.553G>A, p.Val185Met (NM_001164619.2); short protein forms V239M, V185M, V223M.
Identifiers: ClinVar variation 2813309 (VCV002813309.3), dbSNP rs2521355635, ClinGen allele CA414706020.

ClinVar aggregate classification (germline): Uncertain significance (1 of 4 stars; one submission).

Conditions:
Wilms tumor 1 (WT1). Also called: Wilms tumor, somatic. Identifiers: Orphanet 654, MedGen CN033288, MONDO:0008679, OMIM 194070.

Submission:

Labcorp Genetics (formerly Invitae), Labcorp
Classification: Uncertain significance for Wilms tumor 1. Last evaluated: 2022-11-10. Review status: criteria provided, single submitter. Criteria: Invitae Variant Classification Sherloc (09022015). Collection method: clinical testing. Allele origin: germline.
Comment: In summary, the available evidence is currently insufficient to determine the role of this variant in disease. Therefore, it has been classified as a Variant of Uncertain Significance. Advanced modeling of protein sequence and biophysical properties (such as structural, functional, and spatial information, amino acid conservation, physicochemical variation, residue mobility, and thermodynamic stability) performed at Invitae indicates that this missense variant is expected to disrupt GPC3 protein function. This sequence change replaces valine, which is neutral and non-polar, with methionine, which is neutral and non-polar, at codon 239 of the GPC3 protein (p.Val239Met). This variant is not present in population databases (gnomAD no frequency). This variant has not been reported in the literature in individuals affected with GPC3-related conditions.